The following is an entry in ClinVar:

NM_017433.5(MYO3A):c.2340G>T (p.Leu780=)

Gene: MYO3A (myosin IIIA; plus strand). Cytogenetic location: 10p12.1.
Variant type: single nucleotide variant.
Coding change: c.2340G>T on transcript NM_017433.5 (MANE Select); coding-DNA position 2340, G replaced by T.
Protein change: p.Leu780=; no amino-acid change (leucine 780 retained).
Molecular consequence: synonymous variant.
Genome position (GRCh38, 1-based): chr10:26,143,525, G>T. VCF-style: chr10-26143525-G-T. GRCh37 (hg19) VCF-style: chr10-26432454-G-T.
Identifiers: ClinVar variation 3051862 (VCV003051862.2), dbSNP rs1840287328, ClinGen allele CA468479284.

ClinVar aggregate classification (germline): Likely benign (0 of 4 stars; one submission).

Conditions:
MYO3A-related disorder. Also called: MYO3A-related condition.

gnomAD v4.1: 4 of 1,613,884 alleles (0.00025%); highest among the groups gnomAD compares: African/African-American, 0.0013%; no homozygotes.

Submission:

PreventionGenetics, part of Exact Sciences
Classification: Likely benign for MYO3A-related condition. Last evaluated: 2020-10-28. Review status: no assertion criteria provided. Collection method: clinical testing. Allele origin: germline.
Comment: This variant is classified as likely benign based on ACMG/AMP sequence variant interpretation guidelines (Richards et al. 2015 PMID: 25741868, with internal and published modifications).